The following is an entry in ClinVar:

ClinVar aggregate classification (germline): Pathogenic/Likely pathogenic. Review status: criteria provided, multiple submitters, no conflicts (2 of 4 stars). 2 submissions from 2 submitters: Pathogenic (1); Likely pathogenic (1). Last evaluated 2021-09-02.

Conditions:
Developmental and epileptic encephalopathy 6B. Also called: Developmental and epileptic encephalopathy 6B, non-Dravet. Identifiers: MedGen C5543353, MONDO:0030268, OMIM 619317.
Severe myoclonic epilepsy in infancy (DRVT). Also called: Dravet syndrome; Epileptic encephalopathy, early infantile, 6 (Dravet syndrome); SEVERE MYOCLONIC EPILEPSY OF INFANCY; DEVELOPMENTAL AND EPILEPTIC ENCEPHALOPATHY 6A; Severe Myoclonic Epilepsy in Infancy (SMEI). Identifiers: Orphanet 33069, MedGen C0751122, MONDO:0100135, OMIM 607208.
Generalized epilepsy with febrile seizures plus, type 2 (GEFSP2). Also called: GEFS+, TYPE 2. Identifiers: Orphanet 36387, MedGen C1858673, MONDO:0011461, OMIM 604403.
Developmental and epileptic encephalopathy. Identifiers: MedGen C5779964, MONDO:0100620.

Submissions (2):

Labcorp Genetics (formerly Invitae), Labcorp
Classification: Pathogenic for Early-infantile DEE. Last evaluated: 2021-09-02. Review status: criteria provided, single submitter. Criteria: Invitae Variant Classification Sherloc (09022015). Collection method: clinical testing. Allele origin: germline.

Molecular Genetics Department, Kulakov National Medical Research Center for Obstetrics, Gynecology and Perinatology
Classification: Likely pathogenic for Generalized epilepsy with febrile seizures plus, type 2; Severe myoclonic epilepsy in infancy; Developmental and epileptic encephalopathy 6B. Review status: criteria provided, single submitter. Criteria: ACMG Guidelines, 2015. Collection method: clinical testing. Allele origin: de novo. Affected: yes. Observed: 1 variant allele.
Comment: A previously undescribed heterozygous nucleotide variant creates a premature translation stop signal p.Trp192Ter in the SCN1A gene. Heterozygous variants are reported in patients with developmental and epileptic encephalopathy 6B, non-Dravet, 619317; Dravet syndrome, 607208; Febrile seizures, familial, 3A, 604403; Generalized epilepsy with febrile seizures plus, type 2, 604403. Another nucleotide variant resulting in a premature translation termination site in the same codon (c.575G>A, p.Trp192Ter) has been described as arising de novo in a patient with Dravet syndrome [Depiennne et al., 2009, PMID: 18930999]. The variant is not present in population database (gnomAD no frequency). In summary, the currently available evidence indicates that the variant is pathogenic, but additional data are needed to prove that conclusively. Therefore, this variant has been classified as likely pathogenic.

Literature cited by the submitters: PubMed 18930999 (cited by Molecular Genetics Department, Kulakov National Medical Research Center for Obstetrics, Gynecology and Perinatology).

NM_001165963.4(SCN1A):c.576G>A (p.Trp192Ter)

Gene: SCN1A (sodium voltage-gated channel alpha subunit 1; minus strand). Cytogenetic location: 2q24.3.
Variant type: single nucleotide variant.
Coding change: c.576G>A on transcript NM_001165963.4 (MANE Select); coding-DNA position 576, G replaced by A.
Protein change: p.Trp192Ter; replaces tryptophan 192 with a stop codon.
Molecular consequence: nonsense. On other transcripts: 5 prime UTR variant (1), non-coding transcript variant (1).
Genome position (GRCh38, 1-based): chr2:166,054,664, C>T on the plus strand (G>A on the coding strand, the complement: SCN1A is on the minus strand). VCF-style: chr2-166054664-C-T. GRCh37 (hg19) VCF-style: chr2-166911174-C-T.
Other names: c.576G>A, p.Trp192Ter (NM_001165964.3, NM_001202435.3, NM_001353948.2 and 10 more transcripts); c.-1850G>A (NM_001353961.2); short protein forms W192*.
Identifiers: ClinVar variation 965899 (VCV000965899.7), dbSNP rs1553551361, ClinGen allele CA349075345.